The following is an entry in ClinVar:

ClinVar aggregate classification (germline): Pathogenic/Likely pathogenic. Review status: criteria provided, multiple submitters, no conflicts (2 of 4 stars). 7 submissions from 7 submitters: Pathogenic (2); Likely pathogenic (2). 3 of the submissions do not count toward it. Last evaluated 2021-04-22.

Conditions:
Megacystis-microcolon-intestinal hypoperistalsis syndrome 5. Identifiers: MedGen C5543636, MONDO:0030329, OMIM 619431.
ACTG2-related disorder. Also called: ACTG2-related condition.
Visceral myopathy 1 (VSCM1). Also called: Visceral myopathy; Infantile visceral myopathy; ACTG2 Visceral Myopathy. Identifiers: Orphanet 2604, MedGen C5542197, MONDO:0020754, OMIM 155310.

Submissions (7):

Laboratorio de Genetica e Diagnostico Molecular, Hospital Israelita Albert Einstein
Classification: Likely pathogenic for Visceral myopathy 1. Last evaluated: 2021-04-22. Review status: criteria provided, single submitter. Criteria: ACMG Guidelines, 2015. Collection method: clinical testing. Allele origin: germline. Affected: yes.
Comment: ACMG classification criteria: PS4 supporting, PM2, PM6, PP2, PP3

CeGaT Center for Human Genetics Tuebingen
Classification: Pathogenic. Last evaluated: 2019-07-01. Review status: criteria provided, single submitter. Criteria: CeGaT Center For Human Genetics Tuebingen Variant Classification Criteria Version 2. Collection method: clinical testing. Allele origin: germline. Affected: yes. Observed: 1 variant allele.

GeneDx
Classification: Likely pathogenic. Last evaluated: 2015-11-24. Review status: criteria provided, single submitter. Criteria: GeneDx Variant Classification (06012015). Collection method: clinical testing. Allele origin: germline. Affected: yes.
Comment: The R40C variant in the ACTG2 gene has been reported previously in the apparently de novo, heterozygous state in one individual with megacystis-microcolon-intestinal hypoperistalsis syndrome (MMIHS) (Wangler et al., 2014). The R40C variant was not observed in approximately 6500 individuals of European and African American ancestry in the NHLBI Exome Sequencing Project, indicating it is not a common benign variant in these populations. The R40C variant is a non-conservative amino acid substitution, which is likely to impact secondary protein structure as these residues differ in polarity, charge, size and/or other properties. This substitution occurs at a position that is conserved across species. In silico analysis predicts this variant is probably damaging to the protein structure/function. Missense variants at the same residue (R40H) and at nearby residue (M45T), have been reported in the Human Gene Mutation Database in association with MMIHS (Stenson et al., 2014), supporting the functional importance of this region of the protein. Therefore, we interpret R40C as a likely pathogenic variant

Lupski Lab, Baylor-Hopkins CMG, Baylor College of Medicine
Classification: Pathogenic for Visceral myopathy 1. Last evaluated: 2014-03-27. Review status: criteria provided, single submitter. Criteria: Wangler et al. PLoS Gen 2014. Collection method: research. Allele origin: de novo. Inheritance: Autosomal dominant inheritance. Affected: yes. Observed: 1 heterozygote. Study: MMIHS_WES. Segregation with disease not observed.

PreventionGenetics, part of Exact Sciences
Classification: Pathogenic for ACTG2-related condition. Last evaluated: 2023-12-16. Review status: no assertion criteria provided. Collection method: clinical testing. Allele origin: germline. Not counted in ClinVar's aggregate classification.
Comment: The ACTG2 c.118C>T variant is predicted to result in the amino acid substitution p.Arg40Cys. This variant has been reported as de novo and of unknown inheritance in two patients with megacystis-microcolon-intestinal hypoperistalsis syndrome (Wangler et al. 2014. PubMed ID: 24676022; Halim et al. 2015. PubMed ID: 26647307). This variant has not been reported in a large population database, indicating this variant is rare. This variant is interpreted as pathogenic.

OMIM
Classification: Pathogenic for MEGACYSTIS-MICROCOLON-INTESTINAL HYPOPERISTALSIS SYNDROME 5. Last evaluated: 2014-03-01. Review status: no assertion criteria provided. Collection method: literature only. Allele origin: germline. Not counted in ClinVar's aggregate classification.

GeneReviews
No classification provided. Condition: Visceral myopathy 1. Review status: no classification provided. Collection method: literature only. Allele origin: germline. Not counted in ClinVar's aggregate classification.
Comment: Favorable outcome for genotype-phenotype correlations

Literature cited by the submitters: PubMed 24676022 (cited by OMIM); PubMed 26647307 (cited by OMIM); PubMed 29781137 (cited by OMIM); PubMed 31769566 (cited by GeneReviews); PubMed 26072522 (cited by GeneReviews).

NM_001615.4(ACTG2):c.118C>T (p.Arg40Cys)

Gene: ACTG2 (actin gamma 2, smooth muscle; plus strand). Cytogenetic location: 2p13.1.
Variant type: single nucleotide variant.
Coding change: c.118C>T on transcript NM_001615.4 (MANE Select); coding-DNA position 118, C replaced by T.
Protein change: p.Arg40Cys; replaces arginine 40 with cysteine.
Molecular consequence: missense variant.
Genome position (GRCh38, 1-based): chr2:73,901,429, C>T. VCF-style: chr2-73901429-C-T. GRCh37 (hg19) VCF-style: chr2-74128556-C-T.
Other names: c.118C>T, p.Arg40Cys (NM_001199893.2); short protein forms R40C.
Identifiers: ClinVar variation 132799 (VCV000132799.52), dbSNP rs587777385, ClinGen allele CA332118.